The following is an entry in ClinVar:

ClinVar aggregate classification (germline): Uncertain significance. Review status: criteria provided, multiple submitters, no conflicts (2 of 4 stars). 3 submissions from 3 submitters: Uncertain significance (3). Last evaluated 2025-05-04.

Conditions:
Methylmalonic aciduria and homocystinuria type cblF. Also called: COBALAMIN F DISEASE; COBALAMIN, DEFECT IN LYSOSOMAL RELEASE OF; METHYLMALONIC ACIDEMIA AND HOMOCYSTINURIA, cblF TYPE; METHYLMALONIC ACIDURIA DUE TO VITAMIN B12-RELEASE DEFECT; VITAMIN B12 LYSOSOMAL RELEASE DEFECT; VITAMIN B12 STORAGE DISEASE. Identifiers: Orphanet 79284, MedGen C1848578, MONDO:0010183, OMIM 277380.
Inborn genetic diseases. Identifiers: MedGen C0950123, MeSH D030342.

Allele frequency attached by ClinVar (database versions not stated): gnomAD exomes 0.00001; gnomAD 0.00002; ExAC 0.00004; TOPMed 0.00004.
gnomAD v4.1: 21 of 1,609,572 alleles (0.0013%); highest among the groups gnomAD compares: Admixed American, 0.032%; no homozygotes.

Submissions (3):

Labcorp Genetics (formerly Invitae), Labcorp
Classification: Uncertain significance for Methylmalonic aciduria and homocystinuria type cblF. Last evaluated: 2025-05-04. Review status: criteria provided, single submitter. Criteria: Invitae Variant Classification Sherloc (09022015). Collection method: clinical testing. Allele origin: germline.
Comment: This sequence change replaces tyrosine, which is neutral and polar, with cysteine, which is neutral and slightly polar, at codon 429 of the LMBRD1 protein (p.Tyr429Cys). The frequency data for this variant in the population databases is considered unreliable, as metrics indicate poor data quality at this position in the gnomAD database. This variant has not been reported in the literature in individuals affected with LMBRD1-related conditions. ClinVar contains an entry for this variant (Variation ID: 2068925). Invitae Evidence Modeling of protein sequence and biophysical properties (such as structural, functional, and spatial information, amino acid conservation, physicochemical variation, residue mobility, and thermodynamic stability) indicates that this missense variant is expected to disrupt LMBRD1 protein function with a positive predictive value of 80%. In summary, the available evidence is currently insufficient to determine the role of this variant in disease. Therefore, it has been classified as a Variant of Uncertain Significance.

GeneDx
Classification: Uncertain significance. Last evaluated: 2023-12-20. Review status: criteria provided, single submitter. Criteria: GeneDx Variant Classification Process June 2021. Collection method: clinical testing. Allele origin: germline. Affected: yes.
Comment: In silico analysis supports that this missense variant has a deleterious effect on protein structure/function; Has not been previously published as pathogenic or benign to our knowledge

Ambry Genetics
Classification: Uncertain significance for Inborn genetic diseases. Last evaluated: 2021-06-30. Review status: criteria provided, single submitter. Criteria: Ambry Variant Classification Scheme 2023. Collection method: clinical testing. Allele origin: germline.
Comment: The c.1286A>G (p.Y429C) alteration is located in exon 13 (coding exon 13) of the LMBRD1 gene. This alteration results from a A to G substitution at nucleotide position 1286, causing the tyrosine (Y) at amino acid position 429 to be replaced by a cysteine (C). The in silico prediction for the p.Y429C alteration is inconclusive. Based on insufficient or conflicting evidence, the clinical significance of this alteration remains unclear.

NM_018368.4(LMBRD1):c.1286A>G (p.Tyr429Cys)

Gene: LMBRD1 (LMBR1 domain containing 1; minus strand). Cytogenetic location: 6q13.
Variant type: single nucleotide variant.
Coding change: c.1286A>G on transcript NM_018368.4 (MANE Select); coding-DNA position 1286, A replaced by G.
Protein change: p.Tyr429Cys; replaces tyrosine 429 with cysteine.
Molecular consequence: missense variant.
Genome position (GRCh38, 1-based): chr6:69,699,095, T>C on the plus strand (A>G on the coding strand, the complement: LMBRD1 is on the minus strand). VCF-style: chr6-69699095-T-C. GRCh37 (hg19) VCF-style: chr6-70408987-T-C.
Other names: c.1067A>G, p.Tyr356Cys (NM_001363722.2, NM_001367271.1, NM_001367272.1); short protein forms Y429C, Y356C.
Identifiers: ClinVar variation 2068925 (VCV002068925.4), dbSNP rs766688327, ClinGen allele CA3879619.
Genomic context (GRCh38, chr6:69,699,095, plus strand): 5'-TCACTTACCTCTATTAAGTAATTTTGGCTTCCATACATAACATATTGGGGAGCAAGACTA[T>C]AAATCATGTAGCTAGTGTGAAGGACAATAAGCAGAAGTATCATGCAGAGAAAAAGGAGTG-3'
Protein context (NP_060838.3, residues 419-439): LIVLHTSYMI[Tyr429Cys]SLAPQYVMYG